The following is an entry in ClinVar:

ClinVar aggregate classification (germline): Uncertain significance. Review status: criteria provided, multiple submitters, no conflicts (2 of 4 stars). 3 submissions from 3 submitters: Uncertain significance (3). Last evaluated 2023-12-10.

Conditions:
Inborn genetic diseases. Identifiers: MedGen C0950123, MeSH D030342.

gnomAD v4.1: 1 of 1,171,341 alleles (0.000085%); highest among the groups gnomAD compares: Non-Finnish European, 0.00011%; no homozygotes.

Submissions (3):

Labcorp Genetics (formerly Invitae), Labcorp
Classification: Uncertain significance. Last evaluated: 2023-12-10. Review status: criteria provided, single submitter. Criteria: Invitae Variant Classification Sherloc (09022015). Collection method: clinical testing. Allele origin: germline.
Comment: This sequence change replaces arginine, which is basic and polar, with leucine, which is neutral and non-polar, at codon 16 of the RP2 protein (p.Arg16Leu). This variant is not present in population databases (gnomAD no frequency). This variant has not been reported in the literature in individuals affected with RP2-related conditions. Advanced modeling of protein sequence and biophysical properties (such as structural, functional, and spatial information, amino acid conservation, physicochemical variation, residue mobility, and thermodynamic stability) has been performed at Invitae for this missense variant, however the output from this modeling did not meet the statistical confidence thresholds required to predict the impact of this variant on RP2 protein function. In summary, the available evidence is currently insufficient to determine the role of this variant in disease. Therefore, it has been classified as a Variant of Uncertain Significance.

Ambry Genetics
Classification: Uncertain significance for Inborn genetic diseases. Last evaluated: 2023-06-29. Review status: criteria provided, single submitter. Criteria: Ambry Variant Classification Scheme 2023. Collection method: clinical testing. Allele origin: germline.

Blueprint Genetics
Classification: Uncertain significance. Last evaluated: 2021-11-16. Review status: criteria provided, single submitter. Criteria: ACMG Guidelines, 2015. Collection method: clinical testing. Allele origin: germline.

NM_006915.3(RP2):c.47G>T (p.Arg16Leu)

Genes: RP2 (RP2 activator of ARL3 GTPase; plus strand), LOC130068202 (ATAC-STARR-seq lymphoblastoid active region 29577; plus strand). Cytogenetic location: Xp11.3.
Variant type: single nucleotide variant.
Coding change: c.47G>T on transcript NM_006915.3 (MANE Select); coding-DNA position 47, G replaced by T.
Protein change: p.Arg16Leu; replaces arginine 16 with leucine.
Molecular consequence: missense variant.
Genome position (GRCh38, 1-based): chrX:46,837,147, G>T. VCF-style: chrX-46837147-G-T. GRCh37 (hg19) VCF-style: chrX-46696582-G-T.
Other names: short protein forms R16L.
Identifiers: ClinVar variation 2607259 (VCV002607259.4), dbSNP rs782026786, ClinGen allele CA413038238.